The following is an entry in ClinVar:

ClinVar aggregate classification (germline): Uncertain significance (1 of 4 stars; one submission).

Conditions:
Haddad syndrome (OHD). Also called: Ondine-Hirschsprung disease. Identifiers: Orphanet 99803, MedGen C1859049, MONDO:0020493.

Submission:

Labcorp Genetics (formerly Invitae), Labcorp
Classification: Uncertain significance for Haddad syndrome. Last evaluated: 2022-07-13. Review status: criteria provided, single submitter. Criteria: Invitae Variant Classification Sherloc (09022015). Collection method: clinical testing. Allele origin: germline.
Comment: This variant has not been reported in the literature in individuals affected with PHOX2B-related conditions. In summary, the available evidence is currently insufficient to determine the role of this variant in disease. Therefore, it has been classified as a Variant of Uncertain Significance. Algorithms developed to predict the effect of sequence changes on RNA splicing suggest that this variant may create or strengthen a splice site. ClinVar contains an entry for this variant (Variation ID: 1371073). This variant is not present in population databases (gnomAD no frequency). This variant, c.484_501dup, results in the insertion of 6 amino acid(s) of the PHOX2B protein (p.Ala162_Ala167dup), but otherwise preserves the integrity of the reading frame.

NM_003924.4(PHOX2B):c.484_501dup (p.Ala162_Ala167dup)

Gene: PHOX2B (paired like homeobox 2B; minus strand). Cytogenetic location: 4p13.
Variant type: Duplication.
Coding change: c.484_501dup on transcript NM_003924.4 (MANE Select); coding-DNA positions 484 to 501, 18 bases duplicated (GCCGCAGCGGCCGCGGCC).
Protein change: p.Ala162_Ala167dup.
Molecular consequence: inframe insertion.
Genome position (GRCh38, 1-based): chr4:41,746,251-41,746,268, GGCCGCGGCCGCTGCGGC duplicated on the plus strand (GCCGCAGCGGCCGCGGCC on the coding strand, the reverse complement: PHOX2B is on the minus strand). VCF-style (leftmost placement, unchanged base first): chr4-41746250-T-TGGCCGCGGCCGCTGCGGC. GRCh37 (hg19) VCF-style: chr4-41748267-T-TGGCCGCGGCCGCTGCGGC.
Identifiers: ClinVar variation 1371073 (VCV001371073.7), dbSNP rs2153112812, ClinGen allele CA2573137671.